The following is an entry in ClinVar:

NM_004817.4(TJP2):c.975T>A (p.Ser325Arg)

Gene: TJP2 (tight junction protein 2; plus strand). Cytogenetic location: 9q21.11.
Variant type: single nucleotide variant.
Coding change: c.975T>A on transcript NM_004817.4 (MANE Select); coding-DNA position 975, T replaced by A.
Protein change: p.Ser325Arg; replaces serine 325 with arginine.
Molecular consequence: missense variant.
Genome position (GRCh38, 1-based): chr9:69,225,326, T>A. VCF-style: chr9-69225326-T-A. GRCh37 (hg19) VCF-style: chr9-71840242-T-A.
Other names: c.906T>A, p.Ser302Arg (NM_001170414.2, NM_001369870.1, NM_001369871.1); c.987T>A, p.Ser329Arg (NM_001170415.1, NM_001369874.1, NM_001369875.1); c.1068T>A, p.Ser356Arg (NM_001170416.2); c.975T>A, p.Ser325Arg (NM_001369872.1, NM_001369873.1, NM_201629.3); short protein forms S302R, S325R, S329R, S356R.
Identifiers: ClinVar variation 3341473 (VCV003341473.1).

ClinVar aggregate classification (germline): Uncertain significance (1 of 4 stars; one submission).

Conditions:
Cholestasis, progressive familial intrahepatic, 4. Identifiers: Orphanet 480483, Orphanet 79304, MedGen C2931067, MONDO:0014381, OMIM 615878.

gnomAD v4.1: 3 of 1,613,548 alleles (0.00019%); highest among the groups gnomAD compares: South Asian, 0.0033%; no homozygotes.

Submission:

Neuberg Centre For Genomic Medicine, NCGM
Classification: Uncertain significance for Cholestasis, progressive familial intrahepatic, 4. Last evaluated: 2023-05-20. Review status: criteria provided, single submitter. Criteria: ACMG Guidelines, 2015. Collection method: clinical testing. Allele origin: germline. Inheritance: Autosomal recessive inheritance. Affected: yes.
Comment: The missense variant c.975T>A( p.Ser325Arg) in the TJP2 gene has not been reported previously as a pathogenic variant nor as a benign variant, to our knowledge. This variant is absent in the gnomAD Exomes. The amino acid Serine at position 325 is changed to an Arginine changing protein sequence and it might alter its composition and physico-chemical properties. Multiple lines of computational evidence (Polyphen - Damaging, SIFT - Damaging and MutationTaster - Disease causing) predict a damaging effect on protein structure and function for this variant. The amino acid change p.Ser325Arg in TJP2 is predicted as conserved by GERP++ and PhyloP across 100 vertebrates. For these reasons, this variant has been classified as Uncertain Significance.